The following is an entry in ClinVar:

NM_016219.5(MAN1B1):c.1833_1854del (p.Asp613fs)

Gene: MAN1B1 (mannosidase alpha class 1B member 1; plus strand). Cytogenetic location: 9q34.3.
Variant type: Deletion.
Coding change: c.1833_1854del on transcript NM_016219.5 (MANE Select); coding-DNA positions 1833 to 1854, 22 bases deleted (AGGGGACCGCAAATACCAGGAC).
Protein change: p.Asp613fs; shifts the reading frame from aspartic acid 613.
Molecular consequence: frameshift variant. On other transcripts: non-coding transcript variant (2).
Genome position (GRCh38, 1-based): chr9:137,107,599-137,107,620, AGGGGACCGCAAATACCAGGAC deleted; deleting any 22 consecutive bases within chr9:137,107,597-137,107,620 gives the same sequence; the c. name uses the placement nearest the transcript's 3' end. VCF-style (leftmost placement, unchanged base first): chr9-137107596-CACAGGGGACCGCAAATACCAGG-C. GRCh37 (hg19) VCF-style: chr9-140002048-CACAGGGGACCGCAAATACCAGG-C.
Other names: short protein forms D613fs.
Identifiers: ClinVar variation 3775788 (VCV003775788.1).

ClinVar aggregate classification (germline): Likely pathogenic (1 of 4 stars; one submission).

Conditions:
Rafiq syndrome (RAFQS). Identifiers: Orphanet 88616, MedGen C3280127, MONDO:0013624, OMIM 614202.

Submission:

3billion
Classification: Likely pathogenic for Rafiq syndrome. Last evaluated: 2023-07-14. Review status: criteria provided, single submitter. Criteria: ACMG Guidelines, 2015. Collection method: clinical testing. Allele origin: germline. Affected: yes.
Comment: The variant is not observed in the gnomAD v2.1.1 dataset. Predicted Consequence/Location: Frameshift: predicted to result in a loss or disruption of normal protein function through protein truncation. The predicted truncated protein may be shortened by more than 10%. Therefore, this variant is classified as Likely pathogenic according to the recommendation of ACMG/AMP guideline.